The following is an entry in ClinVar:

ClinVar aggregate classification (germline): Uncertain significance (1 of 4 stars; one submission).

Conditions:
Inborn genetic diseases. Identifiers: MedGen C0950123, MeSH D030342.

gnomAD v4.1: 2 of 1,612,608 alleles (0.00012%); highest among the groups gnomAD compares: Non-Finnish European, 0.00017%; no homozygotes.

Submission:

Ambry Genetics
Classification: Uncertain significance for Inborn genetic diseases. Last evaluated: 2026-04-13. Review status: criteria provided, single submitter. Criteria: Ambry Variant Classification Scheme 2023. Collection method: clinical testing. Allele origin: germline.
Comment: The p.L898V variant (also known as c.2692C>G), located in coding exon 28 of the RTEL1 gene, results from a C to G substitution at nucleotide position 2692. The leucine at codon 898 is replaced by valine, an amino acid with highly similar properties. This amino acid position is conserved. In addition, this alteration is predicted to be tolerated by in silico analysis. Based on the available evidence, the clinical significance of this variant remains unclear.

NM_001283009.2(RTEL1):c.2692C>G (p.Leu898Val)

Genes: RTEL1 (regulator of telomere elongation helicase 1; plus strand), RTEL1-TNFRSF6B (RTEL1-TNFRSF6B readthrough (NMD candidate); plus strand). Cytogenetic location: 20q13.33.
Variant type: single nucleotide variant.
Coding change: c.2692C>G on transcript NM_001283009.2 (MANE Select); coding-DNA position 2692, C replaced by G.
Protein change: p.Leu898Val; replaces leucine 898 with valine.
Molecular consequence: missense variant. On other transcripts: non-coding transcript variant (1).
Genome position (GRCh38, 1-based): chr20:63,692,844, C>G. VCF-style: chr20-63692844-C-G. GRCh37 (hg19) VCF-style: chr20-62324197-C-G.
Other names: c.2023C>G, p.Leu675Val (NM_001283010.1); c.2692C>G, p.Leu898Val (NM_016434.4); c.2764C>G, p.Leu922Val (NM_032957.5); short protein forms L675V, L898V, L922V.
Identifiers: ClinVar variation 4863553 (VCV004863553.1).